The following is an entry in ClinVar:

NC_000001.10:g.(?_11167542)_(11177163_?)dup

Gene: MTOR (mechanistic target of rapamycin kinase; minus strand). Cytogenetic location: 1p36.22.
Variant type: Duplication.
Identifiers: ClinVar variation 1512720 (VCV001512720.5).

ClinVar aggregate classification (germline): Uncertain significance (1 of 4 stars; one submission).

Submission:

Labcorp Genetics (formerly Invitae), Labcorp
Classification: Uncertain significance. Last evaluated: 2023-05-16. Review status: criteria provided, single submitter. Criteria: Invitae Variant Classification Sherloc (09022015). Collection method: clinical testing. Allele origin: germline.
Comment: This variant results in a copy number gain of the genomic region encompassing exon(s) 50-58 of the MTOR gene. This region includes the termination codon of the gene. This copy number gain extends beyond the assayed region for this gene and therefore may encompass additional genes. As the precise location of this event is unknown, it may be in tandem or it may be located elsewhere in the genome. In summary, the available evidence is currently insufficient to determine the role of this variant in disease. Therefore, it has been classified as a Variant of Uncertain Significance. Experimental studies and prediction algorithms are not available or were not evaluated, and the functional significance of this variant is currently unknown. This variant has not been reported in the literature in individuals affected with MTOR-related conditions.